The following is an entry in ClinVar:

NM_002693.3(POLG):c.2891G>C (p.Arg964Pro)

Gene: POLG (DNA polymerase gamma, catalytic subunit; minus strand). Cytogenetic location: 15q26.1.
Variant type: single nucleotide variant.
Coding change: c.2891G>C on transcript NM_002693.3 (MANE Select); coding-DNA position 2891, G replaced by C.
Protein change: p.Arg964Pro; replaces arginine 964 with proline.
Molecular consequence: missense variant.
Genome position (GRCh38, 1-based): chr15:89,320,856, C>G on the plus strand (G>C on the coding strand, the complement: POLG is on the minus strand). VCF-style: chr15-89320856-C-G. GRCh37 (hg19) VCF-style: chr15-89864087-C-G.
Other names: c.2891G>C, p.Arg964Pro (NM_001126131.2); short protein forms R964P.
Identifiers: ClinVar variation 2800236 (VCV002800236.3), dbSNP rs767339769, ClinGen allele CA393752535.

ClinVar aggregate classification (germline): Uncertain significance (1 of 4 stars; one submission).

Conditions:
Progressive sclerosing poliodystrophy (MTDPS4A). Also called: ALPERS PROGRESSIVE INFANTILE POLIODYSTROPHY; NEURONAL DEGENERATION OF CHILDHOOD WITH LIVER DISEASE, PROGRESSIVE; Alpers Syndrome; ALPERS DIFFUSE DEGENERATION OF CEREBRAL GRAY MATTER WITH HEPATIC CIRRHOSIS; Alpers-Huttenlocher Syndrome; Mitochondrial DNA Depletion Syndrome 4A. Identifiers: Orphanet 726, MedGen C0205710, MONDO:0008758, OMIM 203700.

gnomAD v4.1: 1 of 1,613,952 alleles (0.000062%); highest among the groups gnomAD compares: Admixed American, 0.0017%; no homozygotes.

Submission:

Labcorp Genetics (formerly Invitae), Labcorp
Classification: Uncertain significance for Progressive sclerosing poliodystrophy. Last evaluated: 2025-04-23. Review status: criteria provided, single submitter. Criteria: Invitae Variant Classification Sherloc (09022015). Collection method: clinical testing. Allele origin: germline.
Comment: This sequence change replaces arginine, which is basic and polar, with proline, which is neutral and non-polar, at codon 964 of the POLG protein (p.Arg964Pro). This variant is present in population databases (no rsID available, gnomAD 0.003%). This variant has not been reported in the literature in individuals affected with POLG-related conditions. ClinVar contains an entry for this variant (Variation ID: 2800236). Invitae Evidence Modeling of protein sequence and biophysical properties (such as structural, functional, and spatial information, amino acid conservation, physicochemical variation, residue mobility, and thermodynamic stability) indicates that this missense variant is expected to disrupt POLG protein function with a positive predictive value of 95%. In summary, the available evidence is currently insufficient to determine the role of this variant in disease. Therefore, it has been classified as a Variant of Uncertain Significance.